The following is an entry in ClinVar:

ClinVar aggregate classification (germline): Likely benign. Review status: criteria provided, multiple submitters, no conflicts (2 of 4 stars). 3 submissions from 3 submitters: Likely benign (2). 1 of the submissions does not count toward it. Last evaluated 2026-01-19.

Conditions:
GABRB1-related disorder. Also called: GABRB1-related condition.

Allele frequency attached by ClinVar (database versions not stated): gnomAD exomes 0.00006 and 0.00007; ExAC 0.00007; gnomAD 0.00009; TOPMed 0.00011; 1000 Genomes Project 30x 0.00016; 1000 Genomes Project 0.00020; ESP Exome Variant Server 0.00031.
gnomAD v4.1: 101 of 1,612,598 alleles (0.0063%); highest among the groups gnomAD compares: Admixed American, 0.015%; no homozygotes.

Submissions (3):

Labcorp Genetics (formerly Invitae), Labcorp
Classification: Likely benign. Last evaluated: 2026-01-19. Review status: criteria provided, single submitter. Criteria: Invitae Variant Classification Sherloc (09022015). Collection method: clinical testing. Allele origin: germline.

CeGaT Center for Human Genetics Tuebingen
Classification: Likely benign. Last evaluated: 2025-05-01. Review status: criteria provided, single submitter. Criteria: CeGaT Center For Human Genetics Tuebingen Variant Classification Criteria Version 2. Collection method: clinical testing. Allele origin: germline. Affected: yes. Observed: 1 variant allele.
Comment: GABRB1: BP4, BP7

PreventionGenetics, part of Exact Sciences
Classification: Likely benign for GABRB1-related condition. Last evaluated: 2019-05-22. Review status: no assertion criteria provided. Collection method: clinical testing. Allele origin: germline. Not counted in ClinVar's aggregate classification.
Comment: This variant is classified as likely benign based on ACMG/AMP sequence variant interpretation guidelines (Richards et al. 2015 PMID: 25741868, with internal and published modifications).

NM_000812.4(GABRB1):c.414T>C (p.Asn138=)

Gene: GABRB1 (gamma-aminobutyric acid type A receptor subunit beta1; plus strand). Cytogenetic location: 4p12.
Variant type: single nucleotide variant.
Coding change: c.414T>C on transcript NM_000812.4 (MANE Select); coding-DNA position 414, T replaced by C.
Protein change: p.Asn138=; no amino-acid change (asparagine 138 retained).
Molecular consequence: synonymous variant.
Genome position (GRCh38, 1-based): chr4:47,161,422, T>C. VCF-style: chr4-47161422-T-C. GRCh37 (hg19) VCF-style: chr4-47163439-T-C.
Identifiers: ClinVar variation 749074 (VCV000749074.22), dbSNP rs147553239, ClinGen allele CA2907588.